The following is an entry in ClinVar:

NM_004304.5(ALK):c.547G>A (p.Gly183Arg)

Gene: ALK (ALK receptor tyrosine kinase; minus strand). Cytogenetic location: 2p23.1.
Variant type: single nucleotide variant.
Coding change: c.547G>A on transcript NM_004304.5 (MANE Select); coding-DNA position 547, G replaced by A.
Protein change: p.Gly183Arg; replaces glycine 183 with arginine.
Molecular consequence: missense variant.
Genome position (GRCh38, 1-based): chr2:29,920,113, C>T on the plus strand (G>A on the coding strand, the complement: ALK is on the minus strand). VCF-style: chr2-29920113-C-T. GRCh37 (hg19) VCF-style: chr2-30142979-C-T.
Other names: short protein forms G183R.
Identifiers: ClinVar variation 1747792 (VCV001747792.2), dbSNP rs759410953, ClinGen allele CA1594944.

ClinVar aggregate classification (germline): Uncertain significance (1 of 4 stars; one submission).

Conditions:
Hereditary cancer-predisposing syndrome. Also called: Hereditary Cancer Syndrome; Hereditary neoplastic syndrome; Neoplastic Syndromes, Hereditary; Tumor predisposition. Identifiers: Orphanet 140162, MedGen C0027672, MeSH D009386, MONDO:0015356.

Allele frequency attached by ClinVar (database versions not stated): ExAC 0.00001; TOPMed 0.00001.

Submission:

Ambry Genetics
Classification: Uncertain significance for Hereditary cancer-predisposing syndrome. Last evaluated: 2022-09-20. Review status: criteria provided, single submitter. Criteria: Ambry Variant Classification Scheme 2023. Collection method: clinical testing. Allele origin: germline.
Comment: The p.G183R variant (also known as c.547G>A), located in coding exon 1 of the ALK gene, results from a G to A substitution at nucleotide position 547. The glycine at codon 183 is replaced by arginine, an amino acid with dissimilar properties. This amino acid position is conserved. In addition, this alteration is predicted to be deleterious by in silico analysis. Since supporting evidence is limited at this time, the clinical significance of this alteration remains unclear.